The following is an entry in ClinVar:

ClinVar aggregate classification (germline): Uncertain significance (1 of 4 stars; one submission).

Submission:

GeneDx
Classification: Uncertain significance. Last evaluated: 2022-03-03. Review status: criteria provided, single submitter. Criteria: GeneDx Variant Classification Process June 2021. Collection method: clinical testing. Allele origin: germline. Affected: yes.
Comment: Not observed at significant frequency in large population cohorts (gnomAD); In silico analysis supports that this missense variant has a deleterious effect on protein structure/function; Has not been previously published as pathogenic or benign to our knowledge

NM_182641.4(BPTF):c.5638C>T (p.Pro1880Ser)

Gene: BPTF (bromodomain PHD finger transcription factor; plus strand). Cytogenetic location: 17q24.2.
Variant type: single nucleotide variant.
Coding change: c.5638C>T on transcript NM_182641.4 (MANE Select); coding-DNA position 5638, C replaced by T.
Protein change: p.Pro1880Ser; replaces proline 1880 with serine.
Molecular consequence: missense variant.
Genome position (GRCh38, 1-based): chr17:67,922,920, C>T. VCF-style: chr17-67922920-C-T. GRCh37 (hg19) VCF-style: chr17-65919036-C-T.
Other names: c.6016C>T, p.Pro2006Ser (NM_004459.7); short protein forms P1880S, P2006S.
Identifiers: ClinVar variation 1704198 (VCV001704198.2), dbSNP rs2511799009, ClinGen allele CA400733908.
Genomic context (GRCh38, chr17:67,922,920, plus strand): 5'-AAAGGCCTTCGATCAAGTGCACTGCGGCCAAAGAGACCAGAAACGCCCAAGCAAACTGGC[C>T]CTGTTATTATTGAAACCTGGGTAGCAGAAGAAGAACTGGAATTGTGGGAGATCAGGGCAT-3'
Protein context (NP_872579.2, residues 1870-1890): KRPETPKQTG[Pro1880Ser]VIIETWVAEE